The following is an entry in ClinVar:

ClinVar aggregate classification (germline): Uncertain significance. Review status: criteria provided, multiple submitters, no conflicts (2 of 4 stars). 2 submissions from 2 submitters: Uncertain significance (2). Last evaluated 2025-03-07.

Conditions:
Hereditary cancer-predisposing syndrome. Also called: Tumor predisposition; Neoplastic Syndromes, Hereditary; Hereditary Cancer Syndrome; Hereditary neoplastic syndrome. Identifiers: Orphanet 140162, MedGen C0027672, MeSH D009386, MONDO:0015356.

gnomAD v4.1: 2 of 1,613,848 alleles (0.00012%); highest among the groups gnomAD compares: Non-Finnish European, 0.00017%; no homozygotes.

Submissions (2):

Labcorp Genetics (formerly Invitae), Labcorp
Classification: Uncertain significance. Last evaluated: 2025-03-07. Review status: criteria provided, single submitter. Criteria: Invitae Variant Classification Sherloc (09022015). Collection method: clinical testing. Allele origin: germline.
Comment: This sequence change replaces aspartic acid, which is acidic and polar, with tyrosine, which is neutral and polar, at codon 975 of the MSH3 protein (p.Asp975Tyr). This variant is present in population databases (rs375949196, gnomAD 0.0009%). This variant has not been reported in the literature in individuals affected with MSH3-related conditions. An algorithm developed to predict the effect of missense changes on protein structure and function (PolyPhen-2) suggests that this variant is likely to be disruptive. In summary, the available evidence is currently insufficient to determine the role of this variant in disease. Therefore, it has been classified as a Variant of Uncertain Significance.

Ambry Genetics
Classification: Uncertain significance for Hereditary cancer-predisposing syndrome. Last evaluated: 2025-01-05. Review status: criteria provided, single submitter. Criteria: Ambry Variant Classification Scheme 2023. Collection method: clinical testing. Allele origin: germline.
Comment: The p.D975Y variant (also known as c.2923G>T), located in coding exon 21 of the MSH3 gene, results from a G to T substitution at nucleotide position 2923. The aspartic acid at codon 975 is replaced by tyrosine, an amino acid with highly dissimilar properties. This amino acid position is conserved. In addition, this alteration is predicted to be deleterious by in silico analysis. Based on the available evidence, the clinical significance of this variant remains unclear.

NM_002439.5(MSH3):c.2923G>T (p.Asp975Tyr)

Gene: MSH3 (mutS homolog 3; plus strand). Cytogenetic location: 5q14.1.
Variant type: single nucleotide variant.
Coding change: c.2923G>T on transcript NM_002439.5 (MANE Select); coding-DNA position 2923, G replaced by T.
Protein change: p.Asp975Tyr; replaces aspartic acid 975 with tyrosine.
Molecular consequence: missense variant.
Genome position (GRCh38, 1-based): chr5:80,854,239, G>T. VCF-style: chr5-80854239-G-T. GRCh37 (hg19) VCF-style: chr5-80150058-G-T.
Other names: short protein forms D975Y.
Identifiers: ClinVar variation 3874966 (VCV003874966.2).
Genomic context (GRCh38, chr5:80,854,239, plus strand): 5'-GAACTGACTGACACAGCAGAAATAATCAGAAAAGCAACATCACAGTCCTTGGTTATCTTG[G>T]ATGAACTAGGAAGAGGGACGAGCACTCATGATGGAATTGCCATTGCCTATGCTACACTTG-3'
Protein context (NP_002430.3, residues 965-985): KATSQSLVIL[Asp975Tyr]ELGRGTSTHD